The following is an entry in ClinVar:

ClinVar aggregate classification (germline): Pathogenic (1 of 4 stars; one submission).

gnomAD v4.1: 7 of 1,612,810 alleles (0.00043%); highest among the groups gnomAD compares: Non-Finnish European, 0.00042%; no homozygotes.

Submission:

Labcorp Genetics (formerly Invitae), Labcorp
Classification: Pathogenic. Last evaluated: 2025-06-25. Review status: criteria provided, single submitter. Criteria: Invitae Variant Classification Sherloc (09022015). Collection method: clinical testing. Allele origin: germline.
Comment: This sequence change creates a premature translational stop signal (p.Glu374*) in the SLC26A5 gene. It is expected to result in an absent or disrupted protein product. Loss-of-function variants in SLC26A5 are known to be pathogenic (PMID: 12239568, 24164807). This variant is not present in population databases (gnomAD no frequency). This variant has not been reported in the literature in individuals affected with SLC26A5-related conditions. Algorithms developed to predict the effect of sequence changes on RNA splicing suggest that this variant may disrupt the consensus splice site. For these reasons, this variant has been classified as Pathogenic.

Literature cited by the submitters: PubMed 12239568; PubMed 24164807.

NM_198999.3(SLC26A5):c.1120G>T (p.Glu374Ter)

Gene: SLC26A5 (solute carrier family 26 member 5; minus strand). Cytogenetic location: 7q22.1.
Variant type: single nucleotide variant.
Coding change: c.1120G>T on transcript NM_198999.3 (MANE Select); coding-DNA position 1120, G replaced by T.
Protein change: p.Glu374Ter; replaces glutamic acid 374 with a stop codon.
Molecular consequence: nonsense. On other transcripts: non-coding transcript variant (5), intron variant (1).
Genome position (GRCh38, 1-based): chr7:103,391,735, C>A on the plus strand (G>T on the coding strand, the complement: SLC26A5 is on the minus strand). VCF-style: chr7-103391735-C-A. GRCh37 (hg19) VCF-style: chr7-103032182-C-A.
Other names: c.1120G>T, p.Glu374Ter (NM_001167962.2, NM_001321787.2, NM_206883.3 and 1 more transcripts); c.971+6197G>T (NM_206885.3); short protein forms E374*.
Identifiers: ClinVar variation 4704836 (VCV004704836.1).